The following is an entry in ClinVar:

ClinVar aggregate classification (germline): Uncertain significance. Review status: criteria provided, multiple submitters, no conflicts (2 of 4 stars). 2 submissions from 2 submitters: Uncertain significance (2). Last evaluated 2023-08-24.

Conditions:
Inborn genetic diseases. Identifiers: MedGen C0950123, MeSH D030342.

gnomAD v4.1: 1 of 1,614,018 alleles (0.000062%); highest among the groups gnomAD compares: Non-Finnish European, 0.000085%; no homozygotes.

Submissions (2):

Mayo Clinic Laboratories, Mayo Clinic
Classification: Uncertain significance. Last evaluated: 2023-08-24. Review status: criteria provided, single submitter. Criteria: ACMG Guidelines, 2015. Collection method: clinical testing. Allele origin: germline. Observed: 1 variant allele.
Comment: PM2_moderate

Ambry Genetics
Classification: Uncertain significance for Inborn genetic diseases. Last evaluated: 2023-06-02. Review status: criteria provided, single submitter. Criteria: Ambry Variant Classification Scheme 2023. Collection method: clinical testing. Allele origin: germline.

NM_000507.4(FBP1):c.676G>A (p.Glu226Lys)

Gene: FBP1 (fructose-bisphosphatase 1; minus strand). Cytogenetic location: 9q22.32.
Variant type: single nucleotide variant.
Coding change: c.676G>A on transcript NM_000507.4 (MANE Select); coding-DNA position 676, G replaced by A.
Protein change: p.Glu226Lys; replaces glutamic acid 226 with lysine.
Molecular consequence: missense variant.
Genome position (GRCh38, 1-based): chr9:94,606,844, C>T on the plus strand (G>A on the coding strand, the complement: FBP1 is on the minus strand). VCF-style: chr9-94606844-C-T. GRCh37 (hg19) VCF-style: chr9-97369126-C-T.
Other names: p.Glu226Lys; c.676G>A, p.Glu226Lys (NM_001127628.2); short protein forms E226K.
Identifiers: ClinVar variation 2555584 (VCV002555584.3), dbSNP rs2538932037, ClinGen allele CA374106682.
Genomic context (GRCh38, chr9:94,606,844, plus strand): 5'-CCTGCACCACCCTCCCCGGGCCCTCACTTACTGGGGGGAACTTCTTCCTCTGGATGTACT[C>T]AGTGACGGCAGGGTCAAAGTCCCTGGCGTAGCCCTCGTTAAGGCTGTAGATTTTACCTTT-3'
Protein context (NP_000498.2, residues 216-236): YARDFDPAVT[Glu226Lys]YIQRKKFPPD